The following is an entry in ClinVar:

ClinVar aggregate classification (germline): Uncertain significance. Review status: criteria provided, multiple submitters, no conflicts (2 of 4 stars). 4 submissions from 4 submitters: Uncertain significance (4). Last evaluated 2025-05-02.

Conditions:
Inborn genetic diseases. Identifiers: MedGen C0950123, MeSH D030342.
Hyperphosphatasia with impaired intellectual development syndrome 2. Also called: Hyperphosphatasia with intellectual disability syndrome 2; GLYCOSYLPHOSPHATIDYLINOSITOL BIOSYNTHESIS DEFECT 6. Identifiers: Orphanet 247262, MedGen C3553637, MONDO:0013882, OMIM 614749.

Allele frequency attached by ClinVar (database versions not stated): gnomAD 0.00005 and 0.00004; TOPMed 0.00006; gnomAD exomes 0.00003 and 0.00008; ExAC 0.00003; ESP Exome Variant Server 0.00023.
gnomAD v4.1: 127 of 1,614,028 alleles (0.0079%); highest among the groups gnomAD compares: Non-Finnish European, 0.01%; 1 homozygote.

Submissions (4):

GeneDx
Classification: Uncertain significance. Last evaluated: 2025-05-02. Review status: criteria provided, single submitter. Criteria: GeneDx Variant Classification Process June 2021. Collection method: clinical testing. Allele origin: germline. Affected: yes.
Comment: Not observed at significant frequency in large population cohorts (gnomAD); In silico analysis suggests that this missense variant does not alter protein structure/function; Has not been previously published as pathogenic or benign to our knowledge

Ambry Genetics
Classification: Uncertain significance for Inborn genetic diseases. Last evaluated: 2023-12-14. Review status: criteria provided, single submitter. Criteria: Ambry Variant Classification Scheme 2023. Collection method: clinical testing. Allele origin: germline.

Labcorp Genetics (formerly Invitae), Labcorp
Classification: Uncertain significance for Hyperphosphatasia with impaired intellectual development syndrome 2. Last evaluated: 2023-10-13. Review status: criteria provided, single submitter. Criteria: Invitae Variant Classification Sherloc (09022015). Collection method: clinical testing. Allele origin: germline.
Comment: This sequence change replaces arginine, which is basic and polar, with cysteine, which is neutral and slightly polar, at codon 604 of the PIGO protein (p.Arg604Cys). This variant is present in population databases (rs368997214, gnomAD 0.007%). This variant has not been reported in the literature in individuals affected with PIGO-related conditions. ClinVar contains an entry for this variant (Variation ID: 846849). Algorithms developed to predict the effect of missense changes on protein structure and function output the following: SIFT: "Not Available"; PolyPhen-2: "Possibly Damaging"; Align-GVGD: "Not Available". The cysteine amino acid residue is found in multiple mammalian species, which suggests that this missense change does not adversely affect protein function. In summary, the available evidence is currently insufficient to determine the role of this variant in disease. Therefore, it has been classified as a Variant of Uncertain Significance.

Illumina Laboratory Services, Illumina
Classification: Uncertain significance for Hyperphosphatasia with impaired intellectual development syndrome 2. Last evaluated: 2017-04-27. Review status: criteria provided, single submitter. Criteria: ICSL Variant Classification Criteria 13 December 2019. Collection method: clinical testing. Allele origin: germline.

NM_032634.4(PIGO):c.1810C>T (p.Arg604Cys)

Gene: PIGO (phosphatidylinositol glycan anchor biosynthesis class O; minus strand). Cytogenetic location: 9p13.3.
Variant type: single nucleotide variant.
Coding change: c.1810C>T on transcript NM_032634.4 (MANE Select); coding-DNA position 1810, C replaced by T.
Protein change: p.Arg604Cys; replaces arginine 604 with cysteine.
Molecular consequence: missense variant. On other transcripts: intron variant (2).
Genome position (GRCh38, 1-based): chr9:35,092,077, G>A on the plus strand (C>T on the coding strand, the complement: PIGO is on the minus strand). VCF-style: chr9-35092077-G-A. GRCh37 (hg19) VCF-style: chr9-35092074-G-A.
Other names: c.1344+466C>T (NM_152850.4, NM_001201484.2); short protein forms R604C.
Identifiers: ClinVar variation 846849 (VCV000846849.17), dbSNP rs368997214, ClinGen allele CA5040561.
Genomic context (GRCh38, chr9:35,092,077, plus strand): 5'-GCCTCAGGGCATATGCACCATTGTGCCGTGGGGGGTTTGTTGTGGCTGAAGTGCCAAGGC[G>A]GGGCATTGTGAGTAGCTTAGGTGGAAGCAGCTGGCCCTCCCAGTGAAGCTGGACAACCAG-3'
Protein context (NP_116023.2, residues 594-614): LLPPKLLTMP[Arg604Cys]LGTSATTNPP